The following is an entry in ClinVar:

ClinVar aggregate classification (germline): Uncertain significance (1 of 4 stars; one submission).

gnomAD v4.1: 23 of 1,526,892 alleles (0.0015%); highest among the groups gnomAD compares: Non-Finnish European, 0.0019%; no homozygotes.

Submission:

Mayo Clinic Laboratories, Mayo Clinic
Classification: Uncertain significance. Last evaluated: 2025-03-14. Review status: criteria provided, single submitter. Criteria: ACMG Guidelines, 2015. Collection method: clinical testing. Allele origin: germline. Observed: 1 variant allele.
Comment: BP4_moderate, PM2_supporting

NM_001367624.2(ZNF469):c.3322G>A (p.Gly1108Ser)

Gene: ZNF469 (zinc finger protein 469; plus strand). Cytogenetic location: 16q24.2.
Variant type: single nucleotide variant.
Coding change: c.3322G>A on transcript NM_001367624.2 (MANE Select); coding-DNA position 3322, G replaced by A.
Protein change: p.Gly1108Ser; replaces glycine 1108 with serine.
Molecular consequence: missense variant.
Genome position (GRCh38, 1-based): chr16:88,430,792, G>A. VCF-style: chr16-88430792-G-A. GRCh37 (hg19) VCF-style: chr16-88497200-G-A.
Other names: p.Gly1108Ser; short protein forms G1108S.
Identifiers: ClinVar variation 4542062 (VCV004542062.1).